The following is an entry in ClinVar:

ClinVar aggregate classification (germline): Uncertain significance (1 of 4 stars; one submission).

Submission:

GeneDx
Classification: Uncertain significance. Last evaluated: 2023-11-28. Review status: criteria provided, single submitter. Criteria: GeneDx Variant Classification Process June 2021. Collection method: clinical testing. Allele origin: germline. Affected: yes.
Comment: Not observed at significant frequency in large population cohorts (gnomAD); In silico analysis supports that this missense variant does not alter protein structure/function; Has not been previously published as pathogenic or benign to our knowledge

NM_002906.4(RDX):c.1348T>C (p.Phe450Leu)

Gene: RDX (radixin; minus strand). Cytogenetic location: 11q22.3.
Variant type: single nucleotide variant.
Coding change: c.1348T>C on transcript NM_002906.4 (MANE Select); coding-DNA position 1348, T replaced by C.
Protein change: p.Phe450Leu; replaces phenylalanine 450 with leucine.
Molecular consequence: missense variant. On other transcripts: intron variant (1).
Genome position (GRCh38, 1-based): chr11:110,233,476, A>G on the plus strand (T>C on the coding strand, the complement: RDX is on the minus strand). VCF-style: chr11-110233476-A-G. GRCh37 (hg19) VCF-style: chr11-110104201-A-G.
Other names: c.1348T>C, p.Phe450Leu (NM_001260492.2, NM_001260493.2); c.940T>C, p.Phe314Leu (NM_001260494.2); c.307T>C, p.Phe103Leu (NM_001260495.2); c.405-1472T>C (NM_001260496.2); short protein forms F103L, F314L, F450L.
Identifiers: ClinVar variation 3364602 (VCV003364602.1).
Genomic context (GRCh38, chr11:110,233,476, plus strand): 5'-GGGCAGACATCACAGTTTTTAACTCTTCTTTGGTCTTTTCCAAGTCTTCCTGGGCTGCAA[A>G]AGCCTGAACATTAAAAATACGTTTATGAGCAACTTACTTCAAAAATTAATAATCAAAACA-3'
Protein context (NP_002897.1, residues 440-460): EEATEWQHKA[Phe450Leu]AAQEDLEKTK